The following is an entry in ClinVar:

NM_001330288.2(SMARCC2):c.447G>C (p.Glu149Asp)

Gene: SMARCC2 (SWI/SNF related BAF chromatin remodeling complex subunit C2; minus strand). Cytogenetic location: 12q13.2.
Variant type: single nucleotide variant.
Coding change: c.447G>C on transcript NM_001330288.2 (MANE Select); coding-DNA position 447, G replaced by C.
Protein change: p.Glu149Asp; replaces glutamic acid 149 with aspartic acid.
Molecular consequence: missense variant.
Genome position (GRCh38, 1-based): chr12:56,184,889, C>G on the plus strand (G>C on the coding strand, the complement: SMARCC2 is on the minus strand). VCF-style: chr12-56184889-C-G. GRCh37 (hg19) VCF-style: chr12-56578673-C-G.
Other names: c.447G>C, p.Glu149Asp (NM_001130420.3, NM_003075.5, NM_139067.4); short protein forms E149D.
Identifiers: ClinVar variation 4057081 (VCV004057081.1).

ClinVar aggregate classification (germline): Uncertain significance (1 of 4 stars; one submission).

Submission:

GeneDx
Classification: Uncertain significance. Last evaluated: 2025-01-12. Review status: criteria provided, single submitter. Criteria: GeneDx Variant Classification Process June 2021. Collection method: clinical testing. Allele origin: germline. Affected: yes.
Comment: Not observed at significant frequency in large population cohorts (gnomAD); In silico analysis indicates that this missense variant does not alter protein structure/function; Has not been previously published as pathogenic or benign to our knowledge